The following is an entry in ClinVar:

ClinVar aggregate classification (germline): Uncertain significance (1 of 4 stars; one submission).

Submission:

GeneDx
Classification: Uncertain significance. Last evaluated: 2026-06-25. Review status: criteria provided, single submitter. Criteria: GeneDx Variant Classification Process June 2021. Collection method: clinical testing. Allele origin: germline.
Comment: Not observed at significant frequency in large population cohorts (gnomAD); In silico analysis supports that this missense variant has a deleterious effect on protein structure/function; Has not been previously published as pathogenic or benign to our knowledge; This variant is associated with the following publications: (PMID: 23334294)

NM_015915.5(ATL1):c.192C>A (p.Asp64Glu)

Gene: ATL1 (atlastin GTPase 1; plus strand). Cytogenetic location: 14q22.1.
Variant type: single nucleotide variant.
Coding change: c.192C>A on transcript NM_015915.5 (MANE Select); coding-DNA position 192, C replaced by A.
Protein change: p.Asp64Glu; replaces aspartic acid 64 with glutamic acid.
Molecular consequence: missense variant.
Genome position (GRCh38, 1-based): chr14:50,587,988, C>A. VCF-style: chr14-50587988-C-A. GRCh37 (hg19) VCF-style: chr14-51054706-C-A.
Other names: c.192C>A, p.Asp64Glu (NM_001127713.1, NM_181598.4); short protein forms D64E.
Identifiers: ClinVar variation 4086546 (VCV004086546.2).